The following is an entry in ClinVar:

NM_177924.5(ASAH1):c.15T>A (p.Ser5Arg)

Genes: ASAH1 (N-acylsphingosine amidohydrolase 1; minus strand), LOC129999940 (ATAC-STARR-seq lymphoblastoid silent region 18966; plus strand). Cytogenetic location: 8p22.
Variant type: single nucleotide variant.
Coding change: c.15T>A on transcript NM_177924.5 (MANE Select); coding-DNA position 15, T replaced by A.
Protein change: p.Ser5Arg; replaces serine 5 with arginine.
Molecular consequence: missense variant. On other transcripts: intron variant (2).
Genome position (GRCh38, 1-based): chr8:18,084,044, A>T on the plus strand (T>A on the coding strand, the complement: ASAH1 is on the minus strand). VCF-style: chr8-18084044-A-T. GRCh37 (hg19) VCF-style: chr8-17941553-A-T.
Other names: c.126+632T>A (NM_004315.6, NM_001127505.3); short protein forms S5R.
Identifiers: ClinVar variation 1956369 (VCV001956369.2), dbSNP rs1441781482, ClinGen allele CA370435895.

ClinVar aggregate classification (germline): Uncertain significance (1 of 4 stars; one submission).

Allele frequency attached by ClinVar (database versions not stated): gnomAD 0.00001.
gnomAD v4.1: 1 of 1,598,378 alleles (0.000063%); highest among the groups gnomAD compares: Non-Finnish European, 0.000085%; no homozygotes.

Submission:

Labcorp Genetics (formerly Invitae), Labcorp
Classification: Uncertain significance. Last evaluated: 2022-06-06. Review status: criteria provided, single submitter. Criteria: Invitae Variant Classification Sherloc (09022015). Collection method: clinical testing. Allele origin: germline.
Comment: This sequence change replaces serine, which is neutral and polar, with arginine, which is basic and polar, at codon 5 of the ASAH1 protein (p.Ser5Arg). This variant is not present in population databases (gnomAD no frequency). This variant has not been reported in the literature in individuals affected with ASAH1-related conditions. Algorithms developed to predict the effect of missense changes on protein structure and function output the following: SIFT: "Tolerated"; PolyPhen-2: "Possibly Damaging"; Align-GVGD: "Class C0". The arginine amino acid residue is found in multiple mammalian species, which suggests that this missense change does not adversely affect protein function. In summary, the available evidence is currently insufficient to determine the role of this variant in disease. Therefore, it has been classified as a Variant of Uncertain Significance.